The following is an entry in ClinVar:

NM_006914.4(RORB):c.901G>A (p.Glu301Lys)

Gene: RORB (RAR related orphan receptor B; plus strand). Cytogenetic location: 9q21.13.
Variant type: single nucleotide variant.
Coding change: c.901G>A on transcript NM_006914.4 (MANE Select); coding-DNA position 901, G replaced by A.
Protein change: p.Glu301Lys; replaces glutamic acid 301 with lysine.
Molecular consequence: missense variant.
Genome position (GRCh38, 1-based): chr9:74,665,496, G>A. VCF-style: chr9-74665496-G-A. GRCh37 (hg19) VCF-style: chr9-77280412-G-A.
Other names: c.934G>A, p.Glu312Lys (NM_001365023.1); short protein forms E301K, E312K.
Identifiers: ClinVar variation 2446322 (VCV002446322.1), dbSNP rs999435045, ClinGen allele CA193864296.

ClinVar aggregate classification (germline): Uncertain significance (1 of 4 stars; one submission).

Submission:

GeneDx
Classification: Uncertain significance. Last evaluated: 2022-09-26. Review status: criteria provided, single submitter. Criteria: GeneDx Variant Classification Process June 2021. Collection method: clinical testing. Allele origin: germline. Affected: yes.
Comment: Not observed at significant frequency in large population cohorts (gnomAD); In silico analysis supports that this missense variant has a deleterious effect on protein structure/function; Has not been previously published as pathogenic or benign to our knowledge